The following is an entry in ClinVar:

NM_001122681.2(SH3BP2):c.437G>C (p.Ser146Thr)

Gene: SH3BP2 (SH3 domain binding protein 2; plus strand). Cytogenetic location: 4p16.3.
Variant type: single nucleotide variant.
Coding change: c.437G>C on transcript NM_001122681.2 (MANE Select); coding-DNA position 437, G replaced by C.
Protein change: p.Ser146Thr; replaces serine 146 with threonine.
Molecular consequence: missense variant.
Genome position (GRCh38, 1-based): chr4:2,827,238, G>C. VCF-style: chr4-2827238-G-C. GRCh37 (hg19) VCF-style: chr4-2828965-G-C.
Other names: c.521G>C, p.Ser174Thr (NM_001145855.2); c.608G>C, p.Ser203Thr (NM_001145856.2); c.437G>C, p.Ser146Thr (NM_003023.4); short protein forms S146T, S203T, S174T.
Identifiers: ClinVar variation 3632184 (VCV003632184.2).

ClinVar aggregate classification (germline): Uncertain significance (1 of 4 stars; one submission).

Conditions:
Fibrous dysplasia of jaw (CRBM). Also called: Cherubism. Identifiers: Orphanet 184, MedGen C0008029, MONDO:0007315, OMIM 118400.

gnomAD v4.1: 4 of 1,614,136 alleles (0.00025%); highest among the groups gnomAD compares: Admixed American, 0.0017%; no homozygotes.

Submission:

Labcorp Genetics (formerly Invitae), Labcorp
Classification: Uncertain significance for Fibrous dysplasia of jaw. Last evaluated: 2024-12-05. Review status: criteria provided, single submitter. Criteria: Invitae Variant Classification Sherloc (09022015). Collection method: clinical testing. Allele origin: germline.
Comment: This sequence change replaces serine, which is neutral and polar, with threonine, which is neutral and polar, at codon 146 of the SH3BP2 protein (p.Ser146Thr). This variant is present in population databases (no rsID available, gnomAD 0.003%). This variant has not been reported in the literature in individuals affected with SH3BP2-related conditions. Invitae Evidence Modeling of protein sequence and biophysical properties (such as structural, functional, and spatial information, amino acid conservation, physicochemical variation, residue mobility, and thermodynamic stability) has been performed for this missense variant. However, the output from this modeling did not meet the statistical confidence thresholds required to predict the impact of this variant on SH3BP2 protein function. In summary, the available evidence is currently insufficient to determine the role of this variant in disease. Therefore, it has been classified as a Variant of Uncertain Significance.